The following is an entry in ClinVar:

ClinVar aggregate classification (germline): Uncertain significance (1 of 4 stars; one submission).

Conditions:
Sitosterolemia (STSL). Also called: PHYTOSTEROLEMIA. Identifiers: Orphanet 2882, MedGen C0342907, MONDO:0008863.

Allele frequency attached by ClinVar (database versions not stated): gnomAD exomes 0.00001; TOPMed below 0.00001; ExAC 0.00001; gnomAD 0.00001.
gnomAD v4.1: 20 of 1,614,092 alleles (0.0012%); highest among the groups gnomAD compares: Non-Finnish European, 0.0017%; no homozygotes.

Submission:

Labcorp Genetics (formerly Invitae), Labcorp
Classification: Uncertain significance for Sitosterolemia. Last evaluated: 2025-09-05. Review status: criteria provided, single submitter. Criteria: Invitae Variant Classification Sherloc (09022015). Collection method: clinical testing. Allele origin: germline.
Comment: This sequence change replaces tyrosine, which is neutral and polar, with cysteine, which is neutral and slightly polar, at codon 487 of the ABCG5 protein (p.Tyr487Cys). This variant is present in population databases (rs755523464, gnomAD 0.002%). This variant has not been reported in the literature in individuals affected with ABCG5-related conditions. ClinVar contains an entry for this variant (Variation ID: 2163760). An algorithm developed to predict the effect of missense changes on protein structure and function (PolyPhen-2) suggests that this variant is likely to be disruptive. In summary, the available evidence is currently insufficient to determine the role of this variant in disease. Therefore, it has been classified as a Variant of Uncertain Significance.

NM_022436.3(ABCG5):c.1460A>G (p.Tyr487Cys)

Genes: ABCG5 (ATP binding cassette subfamily G member 5; minus strand), DYNC2LI1 (dynein cytoplasmic 2 light intermediate chain 1; plus strand). Cytogenetic location: 2p21.
Variant type: single nucleotide variant.
Coding change: c.1460A>G on transcript NM_022436.3 (MANE Select); coding-DNA position 1460, A replaced by G.
Protein change: p.Tyr487Cys; replaces tyrosine 487 with cysteine.
Molecular consequence: missense variant. On other transcripts: intron variant (2).
Genome position (GRCh38, 1-based): chr2:43,822,800, T>C on the plus strand (A>G on the coding strand, the complement: ABCG5 is on the minus strand). VCF-style: chr2-43822800-T-C. GRCh37 (hg19) VCF-style: chr2-44049939-T-C.
Other names: c.*16-4586T>C (NM_001348913.2, NM_001348912.2); short protein forms Y487C.
Identifiers: ClinVar variation 2163760 (VCV002163760.3), dbSNP rs755523464, ClinGen allele CA1636273.